The following is an entry in ClinVar:

NM_152743.4(BRAT1):c.2388A>G (p.Glu796=)

Gene: BRAT1 (BRCA1 associated ATM activator 1; minus strand). Cytogenetic location: 7p22.3.
Variant type: single nucleotide variant.
Coding change: c.2388A>G on transcript NM_152743.4 (MANE Select); coding-DNA position 2388, A replaced by G.
Protein change: p.Glu796=; no amino-acid change (glutamic acid 796 retained).
Molecular consequence: synonymous variant. On other transcripts: non-coding transcript variant (1).
Genome position (GRCh38, 1-based): chr7:2,538,147, T>C on the plus strand (A>G on the coding strand, the complement: BRAT1 is on the minus strand). VCF-style: chr7-2538147-T-C. GRCh37 (hg19) VCF-style: chr7-2577781-T-C.
Other names: p.Glu796=; c.2568A>G, p.Glu856= (NM_001350626.2); c.1863A>G, p.Glu621= (NM_001350627.2).
Identifiers: ClinVar variation 585490 (VCV000585490.21), dbSNP rs1043291, ClinGen allele CA4127372.

ClinVar aggregate classification (germline): Benign/Likely benign. Review status: criteria provided, multiple submitters, no conflicts (2 of 4 stars). 8 submissions from 8 submitters: Benign (5); Likely benign (1). 2 of the submissions do not count toward it. Last evaluated 2026-02-03.

Conditions:
Neonatal-onset encephalopathy with rigidity and seizures. Also called: Lethal neonatal spasticity-epileptic encephalopathy syndrome. Identifiers: Orphanet 435845, MedGen C3281029, MONDO:0013784, OMIM 614498.

Allele frequency attached by ClinVar (database versions not stated): gnomAD exomes 0.35329 and 0.38686; ExAC 0.38948; ESP Exome Variant Server 0.43803; gnomAD 0.44953 and 0.45840; TOPMed 0.45521; 1000 Genomes Project 0.46146; 1000 Genomes Project 30x 0.46471.

Submissions (8):

Labcorp Genetics (formerly Invitae), Labcorp
Classification: Benign for Neonatal-onset encephalopathy with rigidity and seizures. Last evaluated: 2026-02-03. Review status: criteria provided, single submitter. Criteria: Invitae Variant Classification Sherloc (09022015). Collection method: clinical testing. Allele origin: germline.

Blueprint Genetics
Classification: Likely benign. Last evaluated: 2024-11-27. Review status: criteria provided, single submitter. Criteria: ACMG Guidelines, 2015. Collection method: clinical testing. Allele origin: germline.

Unidad de Genómica Garrahan, Hospital de Pediatría Garrahan
Classification: Benign. Last evaluated: 2024-07-15. Review status: criteria provided, single submitter. Criteria: ACMG Guidelines, 2015. Collection method: clinical testing. Allele origin: germline. Affected: no. Observed: 56 variant alleles.
Comment: This variant is classified as Benign based on local population frequency. This variant was detected in 60% of patients studied in a panel designed for Epileptic and Developmental Encephalopathy and Progressive Myoclonus Epilepsy. Number of patients: 56. Only high quality variants are reported.

Mayo Clinic Laboratories, Mayo Clinic
Classification: Benign. Last evaluated: 2021-11-29. Review status: criteria provided, single submitter. Criteria: ACMG Guidelines, 2015. Collection method: clinical testing. Allele origin: germline. Observed: 165 variant alleles.

GeneDx
Classification: Benign. Last evaluated: 2018-07-07. Review status: criteria provided, single submitter. Criteria: GeneDx Variant Classification Process June 2021. Collection method: clinical testing. Allele origin: germline. Affected: yes.

Athena Diagnostics
Classification: Benign. Last evaluated: 2017-04-20. Review status: criteria provided, single submitter. Criteria: Athena Diagnostics Criteria. Collection method: clinical testing. Allele origin: germline.

Diagnostic Laboratory, Department of Genetics, University Medical Center Groningen
Classification: Benign. Review status: no assertion criteria provided. Collection method: clinical testing. Allele origin: germline. Affected: yes. Study: VKGL Data-share Consensus. Not counted in ClinVar's aggregate classification.

Joint Genome Diagnostic Labs from Nijmegen and Maastricht, Radboudumc and MUMC+
Classification: Benign. Review status: no assertion criteria provided. Collection method: clinical testing. Allele origin: germline. Affected: yes. Study: VKGL Data-share Consensus. Not counted in ClinVar's aggregate classification.